The following is an entry in ClinVar:

ClinVar aggregate classification (germline): Pathogenic (1 of 4 stars; one submission).

Submission:

Athena Diagnostics
Classification: Pathogenic. Last evaluated: 2019-07-10. Review status: criteria provided, single submitter. Criteria: Athena Diagnostics Criteria. Collection method: clinical testing. Allele origin: germline.
Comment: Not found in the total gnomAD dataset, and the data is high quality (0/282054 chr). Found in at least one symptomatic patient. Predicted to have a damaging effect on the protein. Located in potentially critical domain of the protein.

Literature cited by the submitters: PubMed 22140375.

NM_001165963.4(SCN1A):c.1034G>A (p.Cys345Tyr)

Gene: SCN1A (sodium voltage-gated channel alpha subunit 1; minus strand). Cytogenetic location: 2q24.3.
Variant type: single nucleotide variant.
Coding change: c.1034G>A on transcript NM_001165963.4 (MANE Select); coding-DNA position 1034, G replaced by A.
Protein change: p.Cys345Tyr; replaces cysteine 345 with tyrosine.
Molecular consequence: missense variant. On other transcripts: 5 prime UTR variant (1), non-coding transcript variant (1).
Genome position (GRCh38, 1-based): chr2:166,047,763, C>T on the plus strand (G>A on the coding strand, the complement: SCN1A is on the minus strand). VCF-style: chr2-166047763-C-T. GRCh37 (hg19) VCF-style: chr2-166904273-C-T.
Other names: c.1034G>A, p.Cys345Tyr (NM_001165964.3, NM_001202435.3, NM_001353948.2 and 10 more transcripts); c.-1392G>A (NM_001353961.2); short protein forms C345Y.
Identifiers: ClinVar variation 805380 (VCV000805380.1), dbSNP rs1057518243, ClinGen allele CA349071462.